The following is an entry in ClinVar:

NM_001256071.3(RNF213):c.5551A>C (p.Thr1851Pro)

Gene: RNF213 (ring finger protein 213; plus strand). Cytogenetic location: 17q25.3.
Variant type: single nucleotide variant.
Coding change: c.5551A>C on transcript NM_001256071.3 (MANE Select); coding-DNA position 5551, A replaced by C.
Protein change: p.Thr1851Pro; replaces threonine 1851 with proline.
Molecular consequence: missense variant.
Genome position (GRCh38, 1-based): chr17:80,339,918, A>C. VCF-style: chr17-80339918-A-C. GRCh37 (hg19) VCF-style: chr17-78313718-A-C.
Other names: p.Thr1851Pro; c.5698A>C, p.Thr1900Pro (NM_001410195.1, NM_020914.5); short protein forms T1851P, T1900P.
Identifiers: ClinVar variation 3380529 (VCV003380529.1).

ClinVar aggregate classification (germline): Uncertain significance (1 of 4 stars; one submission).

Submission:

Mayo Clinic Laboratories, Mayo Clinic
Classification: Uncertain significance. Last evaluated: 2024-07-18. Review status: criteria provided, single submitter. Criteria: ACMG Guidelines, 2015. Collection method: clinical testing. Allele origin: germline. Observed: 1 variant allele.
Comment: BP4, PM2